The following is an entry in ClinVar:

NM_172201.2(KCNE2):c.291G>T (p.Lys97Asn)

Genes: KCNE2 (potassium voltage-gated channel subfamily E regulatory subunit 2; plus strand), LOC105372791 (uncharacterized LOC105372791; minus strand). Cytogenetic location: 21q22.11.
Variant type: single nucleotide variant.
Coding change: c.291G>T on transcript NM_172201.2 (MANE Select); coding-DNA position 291, G replaced by T.
Protein change: p.Lys97Asn; replaces lysine 97 with asparagine.
Molecular consequence: missense variant. On other transcripts: non-coding transcript variant (2).
Genome position (GRCh38, 1-based): chr21:34,370,769, G>T. VCF-style: chr21-34370769-G-T. GRCh37 (hg19) VCF-style: chr21-35743068-G-T.
Other names: short protein forms K97N.
Identifiers: ClinVar variation 4734871 (VCV004734871.1).

ClinVar aggregate classification (germline): Uncertain significance (1 of 4 stars; one submission).

Conditions:
Long QT syndrome 6 (LQT6). Identifiers: Orphanet 101016, Orphanet 768, MedGen C3150953, MONDO:0013370, OMIM 613693.

Submission:

Labcorp Genetics (formerly Invitae), Labcorp
Classification: Uncertain significance for Long QT syndrome 6. Last evaluated: 2026-01-07. Review status: criteria provided, single submitter. Criteria: Invitae Variant Classification Sherloc (09022015). Collection method: clinical testing. Allele origin: germline.
Comment: This sequence change replaces lysine, which is basic and polar, with asparagine, which is neutral and polar, at codon 97 of the KCNE2 protein (p.Lys97Asn). This variant is not present in population databases (gnomAD no frequency). This variant has not been reported in the literature in individuals affected with KCNE2-related conditions. An algorithm developed to predict the effect of missense changes on protein structure and function (PolyPhen-2) suggests that this variant is likely to be disruptive. In summary, the available evidence is currently insufficient to determine the role of this variant in disease. Therefore, it has been classified as a Variant of Uncertain Significance.